The following is an entry in ClinVar:

NM_000138.5(FBN1):c.4429G>A (p.Glu1477Lys)

Gene: FBN1 (fibrillin 1; minus strand). Cytogenetic location: 15q21.1.
Variant type: single nucleotide variant.
Coding change: c.4429G>A on transcript NM_000138.5 (MANE Select); coding-DNA position 4429, G replaced by A.
Protein change: p.Glu1477Lys; replaces glutamic acid 1477 with lysine.
Molecular consequence: missense variant.
Genome position (GRCh38, 1-based): chr15:48,470,664, C>T on the plus strand (G>A on the coding strand, the complement: FBN1 is on the minus strand). VCF-style: chr15-48470664-C-T. GRCh37 (hg19) VCF-style: chr15-48762861-C-T.
Other names: short protein forms E1477K.
Identifiers: ClinVar variation 222605 (VCV000222605.6), dbSNP rs869025407, ClinGen allele CA353688.

ClinVar aggregate classification (germline): Uncertain significance. Review status: criteria provided, multiple submitters, no conflicts (2 of 4 stars). 3 submissions from 3 submitters: Uncertain significance (3). Last evaluated 2024-02-17.

Conditions:
Marfan syndrome (MFS). Also called: MARFAN SYNDROME, TYPE I; FBN1-Related Marfan Syndrome; Marfan syndrome, classic; Marfan syndrome type 1; Marfan's syndrome. Identifiers: Orphanet 284963, Orphanet 558, MedGen C0024796, MONDO:0007947, OMIM 154700.
Familial thoracic aortic aneurysm and aortic dissection (TAAD). Also called: Thoracic aortic aneurysms and dissections. Identifiers: Orphanet 91387, MedGen C4707243, MONDO:0019625.

Allele frequency attached by ClinVar (database versions not stated): gnomAD exomes below 0.00001.
gnomAD v4.1: 3 of 1,614,014 alleles (0.00019%); highest among the groups gnomAD compares: Non-Finnish European, 0.00025%; no homozygotes.

Submissions (3):

Labcorp Genetics (formerly Invitae), Labcorp
Classification: Uncertain significance for Marfan syndrome; Familial thoracic aortic aneurysm and aortic dissection. Last evaluated: 2024-02-17. Review status: criteria provided, single submitter. Criteria: Invitae Variant Classification Sherloc (09022015). Collection method: clinical testing. Allele origin: germline.
Comment: This sequence change replaces glutamic acid, which is acidic and polar, with lysine, which is basic and polar, at codon 1477 of the FBN1 protein (p.Glu1477Lys). This variant is present in population databases (no rsID available, gnomAD 0.06%). This variant has not been reported in the literature in individuals affected with FBN1-related conditions. ClinVar contains an entry for this variant (Variation ID: 222605). Advanced modeling of protein sequence and biophysical properties (such as structural, functional, and spatial information, amino acid conservation, physicochemical variation, residue mobility, and thermodynamic stability) performed at Invitae indicates that this missense variant is expected to disrupt FBN1 protein function with a positive predictive value of 95%. In summary, the available evidence is currently insufficient to determine the role of this variant in disease. Therefore, it has been classified as a Variant of Uncertain Significance.

All of Us Research Program, National Institutes of Health
Classification: Uncertain significance for Marfan syndrome. Last evaluated: 2023-08-15. Review status: criteria provided, single submitter. Criteria: ACMG Guidelines, 2015. Collection method: clinical testing. Allele origin: germline. Inheritance: Autosomal dominant inheritance. Observed: 2 variant alleles, 2 heterozygotes.
Comment: This missense variant replaces glutamic acid with lysine at codon 1477 of the FBN1 protein. Computational prediction suggests that this variant may have deleterious impact on protein structure and function (internally defined REVEL score threshold >= 0.7, PMID: 27666373). To our knowledge, functional studies have not been reported for this variant. This variant has not been reported in individuals affected with FBN1-related disorders in the literature. This variant has not been identified in the general population by the Genome Aggregation Database (gnomAD). The available evidence is insufficient to determine the role of this variant in disease conclusively. Therefore, this variant is classified as a Variant of Uncertain Significance.

This study involves interpretation of variants in research participants for the purpose of population health screening. Participant phenotype was not available at the time of variant classification. Additional details can be found in publication PMID: 35346344, PMCID: PMC8962531

Laboratory for Molecular Medicine, Mass General Brigham Personalized Medicine
Classification: Uncertain significance. Last evaluated: 2014-03-21. Review status: criteria provided, single submitter. Criteria: ACMG Guidelines, 2015. Collection method: clinical testing. Allele origin: germline. Inheritance: Autosomal unknown.
Comment: The Glu1477Lys variant in FBN1 has not been reported in individuals with Marfan syndrome or in large population studies. Conservation and computational analyses suggest that the Glu1477Lys variant may impact the protein, though this information is not predictive enough to determine pathogenicity. Additional information is needed to fully assess the clinical significance of the Glu1477Lys variant.